The following is an entry in ClinVar:

NM_007327.4(GRIN1):c.1950C>A (p.Asn650Lys)

Gene: GRIN1 (glutamate ionotropic receptor NMDA type subunit 1; plus strand). Cytogenetic location: 9q34.3.
Variant type: single nucleotide variant.
Coding change: c.1950C>A on transcript NM_007327.4 (MANE Select); coding-DNA position 1950, C replaced by A.
Protein change: p.Asn650Lys; replaces asparagine 650 with lysine.
Molecular consequence: missense variant.
Genome position (GRCh38, 1-based): chr9:137,162,676, C>A. VCF-style: chr9-137162676-C-A. GRCh37 (hg19) VCF-style: chr9-140057128-C-A.
Other names: c.1950C>A, p.Asn650Lys (NM_000832.7, NM_021569.4); c.2013C>A, p.Asn671Lys (NM_001185090.2, NM_001185091.2); short protein forms N650K, N671K.
Identifiers: ClinVar variation 1329920 (VCV001329920.4), dbSNP rs771610568, ClinGen allele CA375720949.
Genomic context (GRCh38, chr9:137,162,676, plus strand): 5'-CATCCTGGGCATGGTGTGGGCCGGCTTTGCCATGATCATCGTGGCCTCCTACACCGCCAA[C>A]CTGGCGGCCTTCCTGGTGCTGGACCGGCCGGAGGAGCGCATCACGGGCATCAACGACCCT-3'
Protein context (NP_015566.1, residues 640-660): AMIIVASYTA[Asn650Lys]LAAFLVLDRP

ClinVar aggregate classification (germline): Pathogenic (1 of 4 stars; one submission).

Conditions:
Neurodevelopmental disorder with or without hyperkinetic movements and seizures, autosomal dominant. Also called: Intellectual disability, autosomal dominant 8. Identifiers: MedGen C3280282, MONDO:0013655, OMIM 614254.

Submission:

Institute of Human Genetics, University of Leipzig Medical Center
Classification: Pathogenic for Neurodevelopmental disorder with or without hyperkinetic movements and seizures, autosomal dominant. Last evaluated: 2023-09-04. Review status: criteria provided, single submitter. Criteria: ACMG Guidelines, 2015. Collection method: clinical testing. Allele origin: de novo. Inheritance: Autosomal dominant inheritance. Affected: yes.
Comment: Criteria applied: PS1, PM5_STR, PS2_MOD, PM1, PM2_SUP, PP3